The following is an entry in ClinVar:

ClinVar aggregate classification (germline): Likely pathogenic (1 of 4 stars; one submission).

Conditions:
Peroxisome biogenesis disorder. Identifiers: Orphanet 79189, MedGen C1832200, MONDO:0019234. Disease mechanism: loss of function.

Submission:

Myriad Genetics, Inc.
Classification: Likely pathogenic for Peroxisome biogenesis disorder. Last evaluated: 2022-05-18. Review status: criteria provided, single submitter. Criteria: Myriad Autosomal Dominant, Autosomal Recessive and X-Linked Classification Criteria (2023). Collection method: clinical testing. Allele origin: unknown.
Comment: NM_000466.2(PEX1):c.66dupC(N23Qfs*45) is expected to be pathogenic in the context of peroxisome biogenesis disorder type 1. This variant is predicted to lead to an abnormal or absent protein product due to the creation of a premature termination codon in PEX1, a gene where loss-of-function variants are known to be pathogenic. Please note: this variant was assessed in the context of healthy population screening.

NM_000466.3(PEX1):c.66dup (p.Asn23fs)

Genes: PEX1 (peroxisomal biogenesis factor 1; minus strand), LOC129998796 (ATAC-STARR-seq lymphoblastoid silent region 18372; plus strand). Cytogenetic location: 7q21.2.
Variant type: Duplication.
Coding change: c.66dup on transcript NM_000466.3 (MANE Select); coding-DNA position 66, one base duplicated (C; older notation c.66dupC).
Protein change: p.Asn23fs; shifts the reading frame from asparagine 23.
Molecular consequence: frameshift variant. On other transcripts: 5 prime UTR variant (1).
Genome position (GRCh38, 1-based): chr7:92,528,370, G duplicated on the plus strand (C on the coding strand, the reverse complement: PEX1 is on the minus strand); the first of 2 consecutive G bases (chr7:92,528,370-92,528,371); duplicating either gives the same sequence. VCF-style (leftmost placement, unchanged base first): chr7-92528369-T-TG. GRCh37 (hg19) VCF-style: chr7-92157683-T-TG.
Other names: c.66dup, p.Asn23fs (NM_001282677.2); c.-594dup (NM_001282678.2); short protein forms N23fs.
Identifiers: ClinVar variation 1726075 (VCV001726075.3), dbSNP rs2484725673, ClinGen allele CA2580077825.